The following is an entry in ClinVar:

ClinVar aggregate classification (germline): Likely pathogenic. Review status: criteria provided, multiple submitters, no conflicts (2 of 4 stars). 4 submissions from 4 submitters: Likely pathogenic (3). 1 of the submissions does not count toward it. Last evaluated 2025-06-17.

Conditions:
Mucopolysaccharidosis type 6 (MPS6). Also called: MPS VI; N-ACETYLGALACTOSAMINE-4-SULFATASE DEFICIENCY; ARSB DEFICIENCY; ARYLSULFATASE B DEFICIENCY; MPS 6; Maroteaux Lamy syndrome. Identifiers: Orphanet 583, MedGen C0026709, MONDO:0009661, OMIM 253200.

Allele frequency attached by ClinVar (database versions not stated): gnomAD 0.00002 and 0.00004; gnomAD exomes 0.00002 and 0.00003; TOPMed 0.00003; ExAC 0.00009.
gnomAD v4.1: 45 of 1,424,040 alleles (0.0032%); highest among the groups gnomAD compares: Non-Finnish European, 0.0037%; no homozygotes.

Submissions (4):

Women's Health and Genetics/Laboratory Corporation of America, LabCorp
Classification: Likely pathogenic for Mucopolysaccharidosis type 6. Last evaluated: 2025-06-17. Review status: criteria provided, single submitter. Criteria: LabCorp Variant Classification Summary - May 2015. Collection method: clinical testing. Allele origin: germline.
Comment: Variant summary: ARSB c.305G>A (p.Arg102His) results in a non-conservative amino acid change in the encoded protein sequence. Algorithms developed to predict the effect of missense changes on protein structure and function all suggest that this variant is likely to be disruptive. The variant allele was found at a frequency of 1.9e-05 in 104750 control chromosomes. c.305G>A has been observed in two individuals affected with Mucopolysaccharidosis Type VI (Maroteaux-Lamy Syndrome) (Karageorgos_2007, Karageorgos_2007). At least one publication reports experimental evidence evaluating an impact on protein function. The most pronounced variant effect results in 12% of normal protein activity (Karageorgos_2007). The following publications have been ascertained in the context of this evaluation (PMID: 17458871, 17161971). ClinVar contains an entry for this variant (Variation ID: 559766). Based on the evidence outlined above, the variant was classified as likely pathogenic.

Fulgent Genetics
Classification: Likely pathogenic for Mucopolysaccharidosis type 6. Last evaluated: 2024-05-15. Review status: criteria provided, single submitter. Criteria: ACMG Guidelines, 2015. Collection method: clinical testing. Allele origin: germline.

Labcorp Genetics (formerly Invitae), Labcorp
Classification: Likely pathogenic for Mucopolysaccharidosis type 6. Last evaluated: 2024-01-11. Review status: criteria provided, single submitter. Criteria: Invitae Variant Classification Sherloc (09022015). Collection method: clinical testing. Allele origin: germline.
Comment: This sequence change replaces arginine, which is basic and polar, with histidine, which is basic and polar, at codon 102 of the ARSB protein (p.Arg102His). The frequency data for this variant in the population databases is considered unreliable, as metrics indicate poor data quality at this position in the gnomAD database. This missense change has been observed in individual(s) with mucopolysaccharidosis type VI (PMID: 17161971, 17458871). ClinVar contains an entry for this variant (Variation ID: 559766). Advanced modeling of protein sequence and biophysical properties (such as structural, functional, and spatial information, amino acid conservation, physicochemical variation, residue mobility, and thermodynamic stability) performed at Invitae indicates that this missense variant is expected to disrupt ARSB protein function with a positive predictive value of 95%. Studies have shown that this missense change alters ARSB gene expression (PMID: 17161971). In summary, the currently available evidence indicates that the variant is pathogenic, but additional data are needed to prove that conclusively. Therefore, this variant has been classified as Likely Pathogenic.

Laboratory of Diagnosis and Therapy of Lysosomal Disorders, University of Padova
Classification: Uncertain significance for Mucopolysaccharidosis type 6. Last evaluated: 2018-01-01. Review status: flagged submission. Criteria: ACMG Guidelines, 2015. Collection method: curation. Allele origin: germline. Affected: yes. Not counted in ClinVar's aggregate classification.
Comment: Absent from GnomAD (PM2)
ClinVar note: Reason: Outlier claim with insufficient supporting evidence

Literature cited by the submitters: PubMed 17161971 (cited by 3 submitters); PubMed 17458871 (cited by 3 submitters); PubMed 30118150 (cited by Laboratory of Diagnosis and Therapy of Lysosomal Disorders, University of Padova).

NM_000046.5(ARSB):c.305G>A (p.Arg102His)

Genes: ARSB (arylsulfatase B; minus strand), LOC129994126 (ATAC-STARR-seq lymphoblastoid silent region 16127; plus strand). Cytogenetic location: 5q14.1.
Variant type: single nucleotide variant.
Coding change: c.305G>A on transcript NM_000046.5 (MANE Select); coding-DNA position 305, G replaced by A.
Protein change: p.Arg102His; replaces arginine 102 with histidine.
Molecular consequence: missense variant.
Genome position (GRCh38, 1-based): chr5:78,984,944, C>T on the plus strand (G>A on the coding strand, the complement: ARSB is on the minus strand). VCF-style: chr5-78984944-C-T. GRCh37 (hg19) VCF-style: chr5-78280767-C-T.
Other names: c.305G>A, p.Arg102His (NM_198709.3); short protein forms R102H.
Identifiers: ClinVar variation 559766 (VCV000559766.13), dbSNP rs759356342, ClinGen allele CA3318312.